The following is an entry in ClinVar:

ClinVar aggregate classification (germline): Uncertain significance. Review status: criteria provided, multiple submitters, no conflicts (2 of 4 stars). 2 submissions from 2 submitters: Uncertain significance (2). Last evaluated 2025-10-12.

Conditions:
RYR1-related disorder. Also called: RYR1-related condition; RYR1-related disorders. Identifiers: MedGen CN239331.
Malignant hyperthermia, susceptibility to, 1 (MHS1). Also called: RYR1-Related Malignant Hyperthermia Susceptibility; Malignant hyperthermia suceptibility 1; Anesthesia related hyperthermia; Malignant hyperpyrexia; Fulminating hyperpyrexia; Pharmacogenic myopathy. Identifiers: Orphanet 423, MedGen C2930980, MONDO:0007783, OMIM 145600.

gnomAD v4.1: 6 of 1,614,000 alleles (0.00037%); highest among the groups gnomAD compares: Non-Finnish European, 0.00034%; no homozygotes.

Submissions (2):

Color Diagnostics, LLC DBA Color Health
Classification: Uncertain significance for Malignant hyperthermia, susceptibility to, 1. Last evaluated: 2025-10-12. Review status: criteria provided, single submitter. Criteria: ACMG Guidelines, 2015. Collection method: clinical testing. Allele origin: germline.
Comment: This missense variant replaces isoleucine with valine at codon 2804 of the RYR1 protein. Computational prediction suggests that this variant may not impact protein structure and function. To our knowledge, functional studies have not been reported for this variant. This variant has not been reported in individuals affected with RYR1-related disorders in the literature. This variant has been identified in 6/1461884 chromosomes in the general population by the Genome Aggregation Database (gnomAD). The available evidence is insufficient to determine the role of this variant in disease conclusively. Therefore, this variant is classified as a Variant of Uncertain Significance.

Labcorp Genetics (formerly Invitae), Labcorp
Classification: Uncertain significance for RYR1-related disorder. Last evaluated: 2023-09-05. Review status: criteria provided, single submitter. Criteria: Invitae Variant Classification Sherloc (09022015). Collection method: clinical testing. Allele origin: germline.
Comment: In summary, the available evidence is currently insufficient to determine the role of this variant in disease. Therefore, it has been classified as a Variant of Uncertain Significance. Advanced modeling of protein sequence and biophysical properties (such as structural, functional, and spatial information, amino acid conservation, physicochemical variation, residue mobility, and thermodynamic stability) performed at Invitae indicates that this missense variant is not expected to disrupt RYR1 protein function. This sequence change replaces isoleucine, which is neutral and non-polar, with valine, which is neutral and non-polar, at codon 2804 of the RYR1 protein (p.Ile2804Val). This variant is present in population databases (no rsID available, gnomAD 0.0009%). This variant has not been reported in the literature in individuals affected with RYR1-related conditions. ClinVar contains an entry for this variant (Variation ID: 1439579).

NM_000540.3(RYR1):c.8410A>G (p.Ile2804Val)

Genes: RYR1 (ryanodine receptor 1; plus strand), LOC126862902 (BRD4-independent group 4 enhancer GRCh37_chr19:38995830-38997029; plus strand). Cytogenetic location: 19q13.2.
Variant type: single nucleotide variant.
Coding change: c.8410A>G on transcript NM_000540.3 (MANE Select); coding-DNA position 8410, A replaced by G.
Protein change: p.Ile2804Val; replaces isoleucine 2804 with valine.
Molecular consequence: missense variant.
Genome position (GRCh38, 1-based): chr19:38,505,815, A>G. VCF-style: chr19-38505815-A-G. GRCh37 (hg19) VCF-style: chr19-38996455-A-G.
Other names: c.8410A>G, p.Ile2804Val (NM_001042723.2); short protein forms I2804V.
Identifiers: ClinVar variation 1439579 (VCV001439579.6), dbSNP rs779475638, ClinGen allele CA405678554.